The following is an entry in ClinVar:

NM_000097.7(CPOX):c.348GGA[4] (p.Glu120del)

Gene: CPOX (coproporphyrinogen oxidase; minus strand). Cytogenetic location: 3q11.2.
Variant type: Microsatellite.
Coding change: c.348GGA[4] on transcript NM_000097.7 (MANE Select); four copies in a row of the 3-base unit GGA starting at c.348; the reference has five copies in a row; one copy, 3 bases deleted.
Protein change: p.Glu120del; deletes glutamic acid 120.
Molecular consequence: inframe deletion.
Genome position (GRCh38, 1-based): chr3:98,593,143-98,593,145, TCC deleted on the plus strand (GGA on the coding strand, the reverse complement: CPOX is on the minus strand); deleting any 3 consecutive bases within chr3:98,593,143-98,593,157 gives the same sequence; the position shown is the placement nearest the transcript's 3' end. VCF-style (leftmost placement, unchanged base first): chr3-98593142-ATCC-A. GRCh37 (hg19) VCF-style: chr3-98311986-ATCC-A.
Other names: short protein forms E120del.
Identifiers: ClinVar variation 2977173 (VCV002977173.3), dbSNP rs749870062, ClinGen allele CA2511718.

ClinVar aggregate classification (germline): Uncertain significance (1 of 4 stars; one submission).

Submission:

Labcorp Genetics (formerly Invitae), Labcorp
Classification: Uncertain significance. Last evaluated: 2025-10-01. Review status: criteria provided, single submitter. Criteria: Invitae Variant Classification Sherloc (09022015). Collection method: clinical testing. Allele origin: germline.
Comment: This variant, c.360_362del, results in the deletion of 1 amino acid(s) of the CPOX protein (p.Glu120del), but otherwise preserves the integrity of the reading frame. The frequency data for this variant in the population databases is considered unreliable, as metrics indicate poor data quality at this position in the gnomAD database. This variant has not been reported in the literature in individuals affected with CPOX-related conditions. Experimental studies and prediction algorithms are not available or were not evaluated, and the functional significance of this variant is currently unknown. In summary, the available evidence is currently insufficient to determine the role of this variant in disease. Therefore, it has been classified as a Variant of Uncertain Significance.